The following is an entry in ClinVar:

NM_001379500.1(COL18A1):c.3187C>T (p.Arg1063Cys)

Genes: COL18A1 (collagen type XVIII alpha 1 chain; plus strand), SLC19A1 (solute carrier family 19 member 1; minus strand). Cytogenetic location: 21q22.3.
Variant type: single nucleotide variant.
Coding change: c.3187C>T on transcript NM_001379500.1 (MANE Select); coding-DNA position 3187, C replaced by T.
Protein change: p.Arg1063Cys; replaces arginine 1063 with cysteine.
Molecular consequence: missense variant.
Genome position (GRCh38, 1-based): chr21:45,505,937, C>T. VCF-style: chr21-45505937-C-T. GRCh37 (hg19) VCF-style: chr21-46925851-C-T.
Other names: c.3718C>T, p.Arg1240Cys (NM_030582.4); c.4423C>T, p.Arg1475Cys (NM_130444.3); short protein forms R1063C, R1240C, R1475C.
Identifiers: ClinVar variation 1581425 (VCV001581425.10), dbSNP rs528696974, ClinGen allele CA10067740.

ClinVar aggregate classification (germline): Conflicting classifications of pathogenicity. Review status: criteria provided, conflicting classifications (1 of 4 stars). 3 submissions from 3 submitters: Uncertain significance (2); Likely benign (1). Last evaluated 2025-10-15.

Allele frequency attached by ClinVar (database versions not stated): 1000 Genomes Project 30x 0.00031; gnomAD exomes 0.00038; 1000 Genomes Project 0.00040; ExAC 0.00040.
gnomAD v4.1: 309 of 1,613,230 alleles (0.019%); highest among the groups gnomAD compares: South Asian, 0.28%; 2 homozygotes.

Submissions (3):

Labcorp Genetics (formerly Invitae), Labcorp
Classification: Likely benign. Last evaluated: 2025-10-15. Review status: criteria provided, single submitter. Criteria: Invitae Variant Classification Sherloc (09022015). Collection method: clinical testing. Allele origin: germline.

Women's Health and Genetics/Laboratory Corporation of America, LabCorp
Classification: Uncertain significance. Last evaluated: 2024-08-09. Review status: criteria provided, single submitter. Criteria: LabCorp Variant Classification Summary - May 2015. Collection method: clinical testing. Allele origin: germline.
Comment: Variant summary: COL18A1 c.3187C>T (p.Arg1063Cys) results in a non-conservative amino acid change in the encoded protein sequence. Three of four in-silico tools predict a damaging effect of the variant on protein function. The variant allele was found at a frequency of 0.00038 in 247956 control chromosomes in the gnomAD database, including 1 homozygotes. This frequency is not significantly higher than estimated for a pathogenic variant in COL18A1 causing Knobloch Syndrome 1, allowing no conclusion about variant significance. To our knowledge, no occurrence of c.3187C>T in individuals affected with Knobloch Syndrome 1 and no experimental evidence demonstrating its impact on protein function have been reported. ClinVar contains an entry for this variant (Variation ID: 1581425). Based on the evidence outlined above, the variant was classified as uncertain significance.

Blueprint Genetics
Classification: Uncertain significance. Last evaluated: 2024-03-04. Review status: criteria provided, single submitter. Criteria: ACMG Guidelines, 2015. Collection method: clinical testing. Allele origin: germline.